The following is an entry in ClinVar:

NM_000540.3(RYR1):c.8079G>C (p.Pro2693=)

Gene: RYR1 (ryanodine receptor 1; plus strand). Cytogenetic location: 19q13.2.
Variant type: single nucleotide variant.
Coding change: c.8079G>C on transcript NM_000540.3 (MANE Select); coding-DNA position 8079, G replaced by C.
Protein change: p.Pro2693=; no amino-acid change (proline 2693 retained).
Molecular consequence: synonymous variant.
Genome position (GRCh38, 1-based): chr19:38,504,759, G>C. VCF-style: chr19-38504759-G-C. GRCh37 (hg19) VCF-style: chr19-38995399-G-C.
Other names: c.8079G>C, p.Pro2693= (NM_001042723.2).
Identifiers: ClinVar variation 515858 (VCV000515858.9), dbSNP rs368063600, ClinGen allele CA071460.

ClinVar aggregate classification (germline): Likely benign. Review status: criteria provided, multiple submitters, no conflicts (2 of 4 stars). 2 submissions from 2 submitters: Likely benign (2). Last evaluated 2024-01-08.

Conditions:
RYR1-related disorder. Also called: RYR1-related condition; RYR1-related disorders. Identifiers: MedGen CN239331.

Allele frequency attached by ClinVar (database versions not stated): TOPMed 0.00002.
gnomAD v4.1: 7 of 1,614,028 alleles (0.00043%); highest among the groups gnomAD compares: African/African-American, 0.008%; no homozygotes.

Submissions (2):

Labcorp Genetics (formerly Invitae), Labcorp
Classification: Likely benign for RYR1-related disorder. Last evaluated: 2024-01-08. Review status: criteria provided, single submitter. Criteria: Invitae Variant Classification Sherloc (09022015). Collection method: clinical testing. Allele origin: germline.

GeneDx
Classification: Likely benign. Last evaluated: 2018-03-01. Review status: criteria provided, single submitter. Criteria: GeneDx Variant Classification (06012015). Collection method: clinical testing. Allele origin: germline. Affected: yes.
Comment: This variant is considered likely benign or benign based on one or more of the following criteria: it is a conservative change, it occurs at a poorly conserved position in the protein, it is predicted to be benign by multiple in silico algorithms, and/or has population frequency not consistent with disease.